The following is an entry in ClinVar:

NM_024422.6(DSC2):c.2508+1G>A

Gene: DSC2 (desmocollin 2; minus strand). Cytogenetic location: 18q12.1.
Variant type: single nucleotide variant.
Coding change: c.2508+1G>A on transcript NM_024422.6 (MANE Select); the canonical splice donor site of the intron after coding-DNA position 2508, G replaced by A.
Molecular consequence: splice donor variant.
Genome position (GRCh38, 1-based): chr18:31,068,893, C>T on the plus strand (G>A on the coding strand, the complement: DSC2 is on the minus strand). VCF-style: chr18-31068893-C-T. GRCh37 (hg19) VCF-style: chr18-28648859-C-T.
Other names: c.2508+1G>A (NM_004949.5); c.2079+1G>A (NM_001406506.1, NM_001406507.1).
Identifiers: ClinVar variation 2255694 (VCV002255694.3), dbSNP rs2510937615, ClinGen allele CA402111122.

ClinVar aggregate classification (germline): Uncertain significance. Review status: criteria provided, multiple submitters, no conflicts (2 of 4 stars). 2 submissions from 2 submitters: Uncertain significance (2). Last evaluated 2025-11-06.

Conditions:
Cardiovascular phenotype. Identifiers: MedGen CN230736.
Arrhythmogenic right ventricular dysplasia 11. Also called: Arrhythmogenic right ventricular dysplasia 11 with mild palmoplantar keratoderma and woolly hair; Arrhythmogenic Right Ventricular Dysplasia/Cardiomyopathy11; ARRHYTHMOGENIC RIGHT VENTRICULAR DYSPLASIA, FAMILIAL, 11. Identifiers: MedGen C1864850, MONDO:0012506, OMIM 610476.

Submissions (2):

Labcorp Genetics (formerly Invitae), Labcorp
Classification: Uncertain significance for Arrhythmogenic right ventricular dysplasia 11. Last evaluated: 2025-11-06. Review status: criteria provided, single submitter. Criteria: Invitae Variant Classification Sherloc (09022015). Collection method: clinical testing. Allele origin: germline.
Comment: This sequence change affects a donor splice site in intron 15 of the DSC2 gene. While this variant is not anticipated to result in nonsense mediated decay, it likely alters RNA splicing and results in a disrupted protein product. This variant is not present in population databases (gnomAD no frequency). This variant has not been reported in the literature in individuals affected with DSC2-related conditions. ClinVar contains an entry for this variant (Variation ID: 2255694). Variants that disrupt the consensus splice site are a relatively common cause of aberrant splicing (PMID: 17576681, 9536098). Algorithms developed to predict the effect of sequence changes on RNA splicing suggest that this variant may disrupt the consensus splice site. In summary, the available evidence is currently insufficient to determine the role of this variant in disease. Therefore, it has been classified as a Variant of Uncertain Significance.

Ambry Genetics
Classification: Uncertain significance for Cardiovascular phenotype. Last evaluated: 2021-11-09. Review status: criteria provided, single submitter. Criteria: Ambry Variant Classification Scheme 2023. Collection method: clinical testing. Allele origin: germline.
Comment: Resulting transcript is predicted to be in-frame and is not expected to trigger nonsense-mediated mRNA decay Based on insufficient or conflicting evidence, the clinical significance of this alteration remains unclear.

Literature cited by the submitters: PubMed 17576681 (cited by Labcorp Genetics (formerly Invitae), Labcorp); PubMed 9536098 (cited by Labcorp Genetics (formerly Invitae), Labcorp).